The following is an entry in ClinVar:

ClinVar aggregate classification (germline): Pathogenic/Likely pathogenic. Review status: criteria provided, multiple submitters, no conflicts (2 of 4 stars). 2 submissions from 2 submitters: Pathogenic (1); Likely pathogenic (1). Last evaluated 2023-10-17.

Conditions:
Citrullinemia, type II, adult-onset (CDAA). Also called: CITRIN DEFICIENCY, ADOLESCENT OR ADULT ONSET. Identifiers: Orphanet 247585, MedGen CN295299, MONDO:0011326, OMIM 603471.
Neonatal intrahepatic cholestasis due to citrin deficiency (CDNI). Also called: Neonatal Intrahepatic Cholestasis Caused by Citrin Deficiency (NICCD); Neonatal-onset citrullinemia type II; Neonatal-onset citrullinemia type 2; CITRIN DEFICIENCY, NEONATAL OR INFANTILE ONSET. Identifiers: Orphanet 247598, MedGen C1853942, MONDO:0011601, OMIM 605814.
Citrin deficiency. Identifiers: Orphanet 247582, MedGen C1997910, MONDO:0016602.

Allele frequency attached by ClinVar (database versions not stated): gnomAD exomes below 0.00001; TOPMed below 0.00001; gnomAD 0.00001.
gnomAD v4.1: 3 of 1,612,906 alleles (0.00019%); highest among the groups gnomAD compares: Non-Finnish European, 0.00025%; no homozygotes.

Submissions (2):

Labcorp Genetics (formerly Invitae), Labcorp
Classification: Likely pathogenic for Citrin deficiency. Last evaluated: 2023-10-17. Review status: criteria provided, single submitter. Criteria: Invitae Variant Classification Sherloc (09022015). Collection method: clinical testing. Allele origin: germline.
Comment: This sequence change affects an acceptor splice site in intron 7 of the SLC25A13 gene. It is expected to disrupt RNA splicing. Variants that disrupt the donor or acceptor splice site typically lead to a loss of protein function (PMID: 16199547), and loss-of-function variants in SLC25A13 are known to be pathogenic (PMID: 10369257, 14680984, 27405544). This variant is not present in population databases (gnomAD no frequency). Disruption of this splice site has been observed in individual(s) with citrin deficiency (PMID: 27405544). Algorithms developed to predict the effect of sequence changes on RNA splicing suggest that this variant may disrupt the consensus splice site. In summary, the currently available evidence indicates that the variant is pathogenic, but additional data are needed to prove that conclusively. Therefore, this variant has been classified as Likely Pathogenic.

Juno Genomics, Hangzhou Juno Genomics, Inc
Classification: Pathogenic for Citrullinemia, type II, adult-onset; Neonatal intrahepatic cholestasis due to citrin deficiency. Review status: criteria provided, single submitter. Criteria: ACMG Guidelines, 2015. Collection method: clinical testing. Allele origin: germline.
Comment: Null variant in a gene where loss of function (LOF) is a known mechanism of disease.;Absent from controls (or at extremely low frequency if recessive) in Genome Aggregation Database.;Patient's phenotype or family history is highly specific for a disease with a single genetic etiology.

Literature cited by the submitters: PubMed 16199547 (cited by Labcorp Genetics (formerly Invitae), Labcorp); PubMed 10369257 (cited by Labcorp Genetics (formerly Invitae), Labcorp); PubMed 14680984 (cited by Labcorp Genetics (formerly Invitae), Labcorp); PubMed 27405544 (cited by Labcorp Genetics (formerly Invitae), Labcorp).

NM_014251.3(SLC25A13):c.755-1G>C

Gene: SLC25A13 (solute carrier family 25 member 13; minus strand). Cytogenetic location: 7q21.3.
Variant type: single nucleotide variant.
Coding change: c.755-1G>C on transcript NM_014251.3 (MANE Select); the canonical splice acceptor site of the intron before coding-DNA position 755, G replaced by C.
Molecular consequence: splice acceptor variant.
Genome position (GRCh38, 1-based): chr7:96,189,675, C>G on the plus strand (G>C on the coding strand, the complement: SLC25A13 is on the minus strand). VCF-style: chr7-96189675-C-G. GRCh37 (hg19) VCF-style: chr7-95818987-C-G.
Other names: c.755-1G>C (NM_001160210.2).
Identifiers: ClinVar variation 2735055 (VCV002735055.5), dbSNP rs1362890886, ClinGen allele CA368262941.